The following is an entry in ClinVar:

NM_152268.4(PARS2):c.1141A>G (p.Ser381Gly)

Gene: PARS2 (prolyl-tRNA synthetase 2, mitochondrial; minus strand). Cytogenetic location: 1p32.3.
Variant type: single nucleotide variant.
Coding change: c.1141A>G on transcript NM_152268.4 (MANE Select); coding-DNA position 1141, A replaced by G.
Protein change: p.Ser381Gly; replaces serine 381 with glycine.
Molecular consequence: missense variant.
Genome position (GRCh38, 1-based): chr1:54,758,021, T>C on the plus strand (A>G on the coding strand, the complement: PARS2 is on the minus strand). VCF-style: chr1-54758021-T-C. GRCh37 (hg19) VCF-style: chr1-55223694-T-C.
Other names: short protein forms S381G.
Identifiers: ClinVar variation 3342203 (VCV003342203.16).

ClinVar aggregate classification (germline): Uncertain significance (1 of 4 stars; one submission).

Submission:

CeGaT Center for Human Genetics Tuebingen
Classification: Uncertain significance. Last evaluated: 2024-08-01. Review status: criteria provided, single submitter. Criteria: CeGaT Center For Human Genetics Tuebingen Variant Classification Criteria Version 2. Collection method: clinical testing. Allele origin: germline. Affected: yes. Observed: 1 variant allele.
Comment: PARS2: PM2, BP4